The following is an entry in ClinVar:

ClinVar aggregate classification (germline): Uncertain significance (1 of 4 stars; one submission).

Conditions:
Epidermolysis bullosa simplex 3, localized or generalized intermediate, with BP230 deficiency (EBS3). Also called: Epidermolysis bullosa simplex due to BP230 deficiency; Epidermolysis bullosa simplex, autosomal recessive 2. Identifiers: Orphanet 412181, MedGen C3809470, MONDO:0014180, OMIM 615425.
Hereditary sensory and autonomic neuropathy type 6. Also called: HSAN VI; Neuropathy, hereditary sensory and autonomic, type VI. Identifiers: Orphanet 314381, MedGen C3539003, MONDO:0013839, OMIM 614653.

Allele frequency attached by ClinVar (database versions not stated): gnomAD exomes below 0.00001.
gnomAD v4.1: 2 of 1,614,024 alleles (0.00012%); highest among the groups gnomAD compares: Non-Finnish European, 0.000085%; no homozygotes.

Submission:

Labcorp Genetics (formerly Invitae), Labcorp
Classification: Uncertain significance for Epidermolysis bullosa simplex, autosomal recessive 2; Neuropathy, hereditary sensory and autonomic, type VI. Last evaluated: 2019-12-09. Review status: criteria provided, single submitter. Criteria: Invitae Variant Classification Sherloc (09022015). Collection method: clinical testing. Allele origin: germline.
Comment: This sequence change replaces glutamine with arginine at codon 1484 of the DST protein (p.Gln1484Arg). The glutamine residue is highly conserved and there is a small physicochemical difference between glutamine and arginine. This variant is not present in population databases (ExAC no frequency). This variant has not been reported in the literature in individuals with DST-related conditions. Algorithms developed to predict the effect of missense changes on protein structure and function are either unavailable or do not agree on the potential impact of this missense change (SIFT: "Deleterious"; PolyPhen-2: "Benign"; Align-GVGD: "Class C35"). In summary, the available evidence is currently insufficient to determine the role of this variant in disease. Therefore, it has been classified as a Variant of Uncertain Significance.

NM_001723.7(DST):c.4451A>G (p.Gln1484Arg)

Gene: DST (dystonin; minus strand). Cytogenetic location: 6p12.1.
Variant type: single nucleotide variant.
Coding change: c.4451A>G on transcript NM_001723.7 (MANE Plus Clinical); coding-DNA position 4451, A replaced by G.
Protein change: p.Gln1484Arg; replaces glutamine 1484 with arginine.
Molecular consequence: missense variant. On other transcripts: intron variant (10).
Genome position (GRCh38, 1-based): chr6:56,619,583, T>C on the plus strand (A>G on the coding strand, the complement: DST is on the minus strand). VCF-style: chr6-56619583-T-C. GRCh37 (hg19) VCF-style: chr6-56484381-T-C.
Other names: c.4830+4947A>G (NM_001144769.5); c.4929+4947A>G (NM_001374722.1, NM_001374736.1); c.4956+4947A>G (NM_001374734.1); c.4416+4947A>G (NM_001144770.2); c.4296+4947A>G (NM_001374730.1, NM_001386100.1, NM_183380.4 and 1 more transcripts); c.3318+4947A>G (NM_015548.5); short protein forms Q1484R.
Identifiers: ClinVar variation 858974 (VCV000858974.1), dbSNP rs2098666742, ClinGen allele CA364569651.